The following is an entry in ClinVar:

ClinVar aggregate classification (germline): Uncertain significance (1 of 4 stars; one submission).

Submission:

GeneDx
Classification: Uncertain significance. Last evaluated: 2019-11-08. Review status: criteria provided, single submitter. Criteria: GeneDx Variant Classification Process June 2021. Collection method: clinical testing. Allele origin: germline. Affected: yes.
Comment: Not observed in large population cohorts (Lek et al., 2016); In silico analysis, which includes protein predictors and evolutionary conservation, supports that this variant does not alter protein structure/function; Has not been previously published as pathogenic or benign to our knowledge

NM_001244008.2(KIF1A):c.1297A>C (p.Ile433Leu)

Gene: KIF1A (kinesin family member 1A; minus strand). Cytogenetic location: 2q37.3.
Variant type: single nucleotide variant.
Coding change: c.1297A>C on transcript NM_001244008.2 (MANE Select); coding-DNA position 1297, A replaced by C.
Protein change: p.Ile433Leu; replaces isoleucine 433 with leucine.
Molecular consequence: missense variant.
Genome position (GRCh38, 1-based): chr2:240,771,015, T>G on the plus strand (A>C on the coding strand, the complement: KIF1A is on the minus strand). VCF-style: chr2-240771015-T-G. GRCh37 (hg19) VCF-style: chr2-241710432-T-G.
Other names: c.1297A>C, p.Ile433Leu (NM_001320705.2, NM_001330289.2, NM_001379638.1); c.1372A>C, p.Ile458Leu (NM_001330290.2, NM_001379631.1, NM_001379634.1 and 2 more transcripts); c.1270A>C, p.Ile424Leu (NM_001379632.1, NM_001379633.1, NM_001379636.1 and 10 more transcripts); c.1345A>C, p.Ile449Leu (NM_001379637.1, NM_001379648.1); short protein forms I424L, I433L, I449L, I458L.
Identifiers: ClinVar variation 1310037 (VCV001310037.2), dbSNP rs2125950614, ClinGen allele CA351330495.